The following is an entry in ClinVar:

NM_001142864.4(PIEZO1):c.757G>A (p.Gly253Arg)

Genes: HSALR1 (HSP90AB1 associated lncRNA 1; plus strand), PIEZO1 (piezo type mechanosensitive ion channel component 1 (Er blood group); minus strand). Cytogenetic location: 16q24.3.
Variant type: single nucleotide variant.
Coding change: c.757G>A on transcript NM_001142864.4 (MANE Select); coding-DNA position 757, G replaced by A.
Protein change: p.Gly253Arg; replaces glycine 253 with arginine.
Molecular consequence: missense variant. On other transcripts: non-coding transcript variant (1).
Genome position (GRCh38, 1-based): chr16:88,738,318, C>T on the plus strand (G>A on the coding strand, the complement: PIEZO1 is on the minus strand). VCF-style: chr16-88738318-C-T. GRCh37 (hg19) VCF-style: chr16-88804726-C-T.
Other names: p.Gly253Arg; short protein forms G253R.
Identifiers: ClinVar variation 2434743 (VCV002434743.8), dbSNP rs142027562, ClinGen allele CA8233197.
Genomic context (GRCh38, chr16:88,738,318, plus strand): 5'-CCTGTGCCAAGGGCATCTGGTAGCAGTAGAGGCAGATGAGATGGCCGGCGCCGAAGCACC[C>T]CACCGCGACGCAGAGTCTGCTGAAGCCCCGAGTGCTGATGGGAAAGTGGCAGGCCCACCA-3'
Protein context (NP_001136336.2, residues 243-263): RGFSRLCVAV[Gly253Arg]CFGAGHLICL

ClinVar aggregate classification (germline): Conflicting classifications of pathogenicity. Review status: criteria provided, conflicting classifications (1 of 4 stars). 4 submissions from 4 submitters: Uncertain significance (2); Benign (1); Likely benign (1). Last evaluated 2025-12-18.

Allele frequency attached by ClinVar (database versions not stated): gnomAD 0.00017; gnomAD exomes 0.00017; TOPMed 0.00020; ExAC 0.00024; 1000 Genomes Project 0.00040; 1000 Genomes Project 30x 0.00047.
gnomAD v4.1: 268 of 1,535,858 alleles (0.017%); highest among the groups gnomAD compares: Middle Eastern, 0.1%; no homozygotes.

Submissions (4):

Labcorp Genetics (formerly Invitae), Labcorp
Classification: Benign. Last evaluated: 2025-12-18. Review status: criteria provided, single submitter. Criteria: Invitae Variant Classification Sherloc (09022015). Collection method: clinical testing. Allele origin: germline.

Blueprint Genetics
Classification: Likely benign. Last evaluated: 2024-07-22. Review status: criteria provided, single submitter. Criteria: ACMG Guidelines, 2015. Collection method: clinical testing. Allele origin: germline.

Mayo Clinic Laboratories, Mayo Clinic
Classification: Uncertain significance. Last evaluated: 2024-06-04. Review status: criteria provided, single submitter. Criteria: ACMG Guidelines, 2015. Collection method: clinical testing. Allele origin: germline. Observed: 1 variant allele.
Comment: PM2_moderate

Revvity Omics, Revvity
Classification: Uncertain significance. Last evaluated: 2022-11-11. Review status: criteria provided, single submitter. Criteria: ACMG Guidelines, 2015. Collection method: clinical testing. Allele origin: germline.

Literature cited by the submitters: PubMed 38184690 (cited by Mayo Clinic Laboratories, Mayo Clinic).